The following is an entry in ClinVar:

ClinVar aggregate classification (germline): Uncertain significance (1 of 4 stars; one submission).

Conditions:
Hereditary breast ovarian cancer syndrome. Also called: Hereditary breast and ovarian cancer syndrome; Hereditary breast and/or ovarian cancer syndrome; BRCA1- and BRCA2-Associated Hereditary Breast and Ovarian Cancer; Hereditary breast and ovarian cancer; Breast and ovarian cancer; Hereditary breast and ovarian cancer syndrome (HBOC). Identifiers: Orphanet 145, MedGen C0677776, MeSH D061325, MONDO:0003582. Disease mechanism: loss of function.

Submission:

Labcorp Genetics (formerly Invitae), Labcorp
Classification: Uncertain significance for Hereditary breast ovarian cancer syndrome. Last evaluated: 2023-06-05. Review status: criteria provided, single submitter. Criteria: Invitae Variant Classification Sherloc (09022015). Collection method: clinical testing. Allele origin: germline.
Comment: Advanced modeling of protein sequence and biophysical properties (such as structural, functional, and spatial information, amino acid conservation, physicochemical variation, residue mobility, and thermodynamic stability) performed at Invitae indicates that this missense variant is not expected to disrupt BRCA1 protein function. This variant has not been reported in the literature in individuals affected with BRCA1-related conditions. This variant is not present in population databases (gnomAD no frequency). This sequence change replaces serine, which is neutral and polar, with cysteine, which is neutral and slightly polar, at codon 1572 of the BRCA1 protein (p.Ser1572Cys). In summary, the available evidence is currently insufficient to determine the role of this variant in disease. Therefore, it has been classified as a Variant of Uncertain Significance.

NM_007294.4(BRCA1):c.4715C>G (p.Ser1572Cys)

Gene: BRCA1 (BRCA1 DNA repair associated; minus strand). Cytogenetic location: 17q21.31.
Variant type: single nucleotide variant.
Coding change: c.4715C>G on transcript NM_007294.4 (MANE Select); coding-DNA position 4715, C replaced by G.
Protein change: p.Ser1572Cys; replaces serine 1572 with cysteine.
Molecular consequence: missense variant. On other transcripts: intron variant (1).
Genome position (GRCh38, 1-based): chr17:43,071,199, G>C on the plus strand (C>G on the coding strand, the complement: BRCA1 is on the minus strand). VCF-style: chr17-43071199-G-C. GRCh37 (hg19) VCF-style: chr17-41223216-G-C.
Other names: c.1325C>G, p.Ser442Cys (NM_001408412.1, NM_001408413.1, NM_001408414.1 and 2 more transcripts); c.1286C>G, p.Ser429Cys (NM_001408422.1, NM_001408423.1, NM_001408421.1 and 1 more transcripts); c.1289C>G, p.Ser430Cys (NM_001408420.1, NM_001408419.1, NM_001408418.1); c.4658C>G, p.Ser1553Cys (NM_001407648.1); c.4655C>G, p.Ser1552Cys (NM_001407649.1); c.4715C>G, p.Ser1572Cys (NM_001407652.1, NM_001407684.1, NM_001407854.1 and 8 more transcripts); c.4637C>G, p.Ser1546Cys (NM_001407653.1, NM_001407654.1, NM_001407655.1); c.4634C>G, p.Ser1545Cys (NM_001407656.1, NM_001407657.1, NM_001407658.1); and 71 more; short protein forms S1403C, S1444C, S1484C, S1502C, S1505C, S1523C, S1525C, S1572C.
Identifiers: ClinVar variation 2764794 (VCV002764794.3), dbSNP rs2551065487, ClinGen allele CA10592079.
Genomic context (GRCh38, chr17:43,071,199, plus strand): 5'-TTGCCAACACGAGCTGACTCTGGGGCTCTGTCTTCAGAAGGATCAGATTCAGGGTCATCA[G>C]AGAAGAGGCTGATTCCAGATTCCAGGTAAGGGGTTCCCTCTGAAAGGAATGGGAGAAGTT-3'
Protein context (NP_009225.1, residues 1562-1582): PYLESGISLF[Ser1572Cys]DDPESDPSED